The following is an entry in ClinVar:

ClinVar aggregate classification (germline): Uncertain significance (1 of 4 stars; one submission).

Allele frequency attached by ClinVar (database versions not stated): gnomAD exomes below 0.00001; ExAC 0.00001.
gnomAD v4.1: 2 of 1,613,816 alleles (0.00012%); highest among the groups gnomAD compares: South Asian, 0.0022%; no homozygotes.

Submission:

Labcorp Genetics (formerly Invitae), Labcorp
Classification: Uncertain significance. Last evaluated: 2021-08-14. Review status: criteria provided, single submitter. Criteria: Invitae Variant Classification Sherloc (09022015). Collection method: clinical testing. Allele origin: germline.
Comment: This sequence change replaces tyrosine with histidine at codon 648 of the TTC37 protein (p.Tyr648His). The tyrosine residue is moderately conserved and there is a moderate physicochemical difference between tyrosine and histidine. This variant is present in population databases (rs768844303, ExAC 0.006%). This variant has not been reported in the literature in individuals affected with TTC37-related conditions. Algorithms developed to predict the effect of missense changes on protein structure and function are either unavailable or do not agree on the potential impact of this missense change (SIFT: "Deleterious"; PolyPhen-2: "Probably Damaging"; Align-GVGD: "Class C0"). In summary, the available evidence is currently insufficient to determine the role of this variant in disease. Therefore, it has been classified as a Variant of Uncertain Significance.

NM_014639.4(SKIC3):c.1942T>C (p.Tyr648His)

Gene: SKIC3 (SKI3 subunit of superkiller complex; minus strand). Cytogenetic location: 5q15.
Variant type: single nucleotide variant.
Coding change: c.1942T>C on transcript NM_014639.4 (MANE Select); coding-DNA position 1942, T replaced by C.
Protein change: p.Tyr648His; replaces tyrosine 648 with histidine.
Molecular consequence: missense variant.
Genome position (GRCh38, 1-based): chr5:95,522,123, A>G on the plus strand (T>C on the coding strand, the complement: SKIC3 is on the minus strand). VCF-style: chr5-95522123-A-G. GRCh37 (hg19) VCF-style: chr5-94857827-A-G.
Other names: short protein forms Y648H.
Identifiers: ClinVar variation 1503635 (VCV001503635.5), dbSNP rs768844303, ClinGen allele CA3347204.